The following is an entry in ClinVar:

ClinVar aggregate classification (germline): Likely benign (3 of 4 stars; one submission).

Conditions:
Breast-ovarian cancer, familial, susceptibility to, 2 (BROVCA2). Also called: BRCA2 Hereditary Breast and Ovarian Cancer. Identifiers: Orphanet 145, MedGen C2675520, MONDO:0012933, OMIM 612555. Disease mechanism: loss of function.

Allele frequency attached by ClinVar (database versions not stated): gnomAD exomes below 0.00001; ExAC 0.00001.
gnomAD v4.1: 1 of 1,609,684 alleles (0.000062%); highest among the groups gnomAD compares: South Asian, 0.0011%; no homozygotes.

Submission:

Evidence-based Network for the Interpretation of Germline Mutant Alleles (ENIGMA)
Classification: Likely benign for Breast-ovarian cancer, familial, susceptibility to, 2. Last evaluated: 2017-06-29. Review status: reviewed by expert panel. Criteria: ENIGMA BRCA1/2 Classification Criteria (2017-06-29). Collection method: curation. Allele origin: germline.
Comment: Synonymous substitution variant, with low bioinformatic likelihood to result in a splicing aberration (Splicing prior probability 0.02).

NM_000059.4(BRCA2):c.2535T>G (p.Pro845=)

Gene: BRCA2 (BRCA2 DNA repair associated; plus strand). Cytogenetic location: 13q13.1.
Variant type: single nucleotide variant.
Coding change: c.2535T>G on transcript NM_000059.4 (MANE Select); coding-DNA position 2535, T replaced by G.
Protein change: p.Pro845=; no amino-acid change (proline 845 retained).
Molecular consequence: synonymous variant.
Genome position (GRCh38, 1-based): chr13:32,336,890, T>G. VCF-style: chr13-32336890-T-G. GRCh37 (hg19) VCF-style: chr13-32911027-T-G.
Identifiers: ClinVar variation 427475 (VCV000427475.3), dbSNP rs776556224, ClinGen allele CA6940611.